The following is an entry in ClinVar:

ClinVar aggregate classification (germline): Uncertain significance (1 of 4 stars; one submission).

Conditions:
Hypertrophic cardiomyopathy. Also called: HYPERTROPHIC MYOCARDIOPATHY. Identifiers: Orphanet 217569, MedGen C0007194, MeSH D002312, MONDO:0005045, HP:0001639.

Submission:

Labcorp Genetics (formerly Invitae), Labcorp
Classification: Uncertain significance for Hypertrophic cardiomyopathy. Last evaluated: 2020-02-05. Review status: criteria provided, single submitter. Criteria: Invitae Variant Classification Sherloc (09022015). Collection method: clinical testing. Allele origin: germline.
Comment: In summary, the available evidence is currently insufficient to determine the role of this variant in disease. Therefore, it has been classified as a Variant of Uncertain Significance. Algorithms developed to predict the effect of missense changes on protein structure and function are either unavailable or do not agree on the potential impact of this missense change (SIFT: "Deleterious"; PolyPhen-2: "Benign"; Align-GVGD: "Class C0"). This variant has not been reported in the literature in individuals with MYH7-related conditions. This variant is not present in population databases (ExAC no frequency). This sequence change replaces isoleucine with methionine at codon 1847 of the MYH7 protein (p.Ile1847Met). The isoleucine residue is moderately conserved and there is a small physicochemical difference between isoleucine and methionine.

NM_000257.4(MYH7):c.5541C>G (p.Ile1847Met)

Gene: MYH7 (myosin heavy chain 7; minus strand). Cytogenetic location: 14q11.2.
Variant type: single nucleotide variant.
Coding change: c.5541C>G on transcript NM_000257.4 (MANE Select); coding-DNA position 5541, C replaced by G.
Protein change: p.Ile1847Met; replaces isoleucine 1847 with methionine.
Molecular consequence: missense variant.
Genome position (GRCh38, 1-based): chr14:23,415,013, G>C on the plus strand (C>G on the coding strand, the complement: MYH7 is on the minus strand). VCF-style: chr14-23415013-G-C. GRCh37 (hg19) VCF-style: chr14-23884222-G-C.
Other names: short protein forms I1847M.
Identifiers: ClinVar variation 1045288 (VCV001045288.9), dbSNP rs770583523, ClinGen allele CA389035036.